The following is an entry in ClinVar:

ClinVar aggregate classification (germline): Uncertain significance (1 of 4 stars; one submission).

Submission:

CeGaT Center for Human Genetics Tuebingen
Classification: Uncertain significance. Last evaluated: 2026-06-01. Review status: criteria provided, single submitter. Criteria: CeGaT Center For Human Genetics Tuebingen Variant Classification Criteria Version 2. Collection method: clinical testing. Allele origin: germline. Affected: yes. Observed: 1 variant allele.
Comment: KIF4A: PM2, BP4

NM_012310.5(KIF4A):c.2708T>A (p.Phe903Tyr)

Gene: KIF4A (kinesin family member 4A; plus strand). Cytogenetic location: Xq13.1.
Variant type: single nucleotide variant.
Coding change: c.2708T>A on transcript NM_012310.5 (MANE Select); coding-DNA position 2708, T replaced by A.
Protein change: p.Phe903Tyr; replaces phenylalanine 903 with tyrosine.
Molecular consequence: missense variant.
Genome position (GRCh38, 1-based): chrX:70,403,952, T>A. VCF-style: chrX-70403952-T-A. GRCh37 (hg19) VCF-style: chrX-69623802-T-A.
Other names: short protein forms F903Y.
Identifiers: ClinVar variation 4875383 (VCV004875383.2).
Genomic context (GRCh38, chrX:70,403,952, plus strand): 5'-AACTTGAAAGCAGCCTGAAACAGAGCAAGACCAGCTGTGCTGACATGCAGAAGATGCTGT[T>A]TGAGGAACGAAATCATTTTGCCGAGATAGAGACAGAGTTACAAGCTGAGCTGGTCAGAAT-3'
Protein context (NP_036442.3, residues 893-913): TSCADMQKML[Phe903Tyr]EERNHFAEIE